The following is an entry in ClinVar:

ClinVar aggregate classification (germline): Uncertain significance (1 of 4 stars; one submission).

Submission:

GeneDx
Classification: Uncertain significance. Last evaluated: 2024-05-16. Review status: criteria provided, single submitter. Criteria: GeneDx Variant Classification Process June 2021. Collection method: clinical testing. Allele origin: germline. Affected: yes.
Comment: Not observed at significant frequency in large population cohorts (gnomAD); In silico analysis indicates that this missense variant does not alter protein structure/function; Has not been previously published as pathogenic or benign to our knowledge; Variants in candidate genes are classified as variants of uncertain significance in accordance with ACMG guidelines (PMID: 25741868)

NM_003458.4(BSN):c.4850G>C (p.Arg1617Pro)

Gene: BSN (bassoon presynaptic cytomatrix protein; plus strand). Cytogenetic location: 3p21.31.
Variant type: single nucleotide variant.
Coding change: c.4850G>C on transcript NM_003458.4 (MANE Select); coding-DNA position 4850, G replaced by C.
Protein change: p.Arg1617Pro; replaces arginine 1617 with proline.
Molecular consequence: missense variant.
Genome position (GRCh38, 1-based): chr3:49,654,406, G>C. VCF-style: chr3-49654406-G-C. GRCh37 (hg19) VCF-style: chr3-49691839-G-C.
Other names: short protein forms R1617P.
Identifiers: ClinVar variation 3900334 (VCV003900334.1).